The following is an entry in ClinVar:

ClinVar aggregate classification (germline): Uncertain significance (1 of 4 stars; one submission).

Submission:

Labcorp Genetics (formerly Invitae), Labcorp
Classification: Uncertain significance. Last evaluated: 2024-04-29. Review status: criteria provided, single submitter. Criteria: Invitae Variant Classification Sherloc (09022015). Collection method: clinical testing. Allele origin: germline.
Comment: This sequence change replaces glycine, which is neutral and non-polar, with aspartic acid, which is acidic and polar, at codon 1052 of the FLNB protein (p.Gly1052Asp). This variant is not present in population databases (gnomAD no frequency). This variant has not been reported in the literature in individuals affected with FLNB-related conditions. Advanced modeling of protein sequence and biophysical properties (such as structural, functional, and spatial information, amino acid conservation, physicochemical variation, residue mobility, and thermodynamic stability) performed at Invitae indicates that this missense variant is not expected to disrupt FLNB protein function with a negative predictive value of 95%. In summary, the available evidence is currently insufficient to determine the role of this variant in disease. Therefore, it has been classified as a Variant of Uncertain Significance.

NM_001457.4(FLNB):c.3155G>A (p.Gly1052Asp)

Gene: FLNB (filamin B; plus strand). Cytogenetic location: 3p14.3.
Variant type: single nucleotide variant.
Coding change: c.3155G>A on transcript NM_001457.4 (MANE Select); coding-DNA position 3155, G replaced by A.
Protein change: p.Gly1052Asp; replaces glycine 1052 with aspartic acid.
Molecular consequence: missense variant.
Genome position (GRCh38, 1-based): chr3:58,123,121, G>A. VCF-style: chr3-58123121-G-A. GRCh37 (hg19) VCF-style: chr3-58108848-G-A.
Other names: c.3155G>A, p.Gly1052Asp (NM_001164317.2, NM_001164318.2, NM_001164319.2); short protein forms G1052D.
Identifiers: ClinVar variation 3631025 (VCV003631025.2).